The following is an entry in ClinVar:

ClinVar aggregate classification (germline): Conflicting classifications of pathogenicity. Review status: criteria provided, conflicting classifications (1 of 4 stars). 6 submissions from 6 submitters: Uncertain significance (5); Benign (1). Last evaluated 2025-11-24.

Conditions:
Hereditary cancer-predisposing syndrome. Also called: Neoplastic Syndromes, Hereditary; Tumor predisposition; Hereditary neoplastic syndrome; Hereditary Cancer Syndrome. Identifiers: Orphanet 140162, MedGen C0027672, MeSH D009386, MONDO:0015356.
Familial adenomatous polyposis 2. Also called: COLORECTAL ADENOMATOUS POLYPOSIS, AUTOSOMAL RECESSIVE; ADENOMAS, MULTIPLE COLORECTAL, AUTOSOMAL RECESSIVE; MUTYH-associated polyposis; FAP type 2; MUTYH-related attenuated familial adenomatous polyposis; Adenomas, multiple colorectal. Identifiers: Orphanet 220460, Orphanet 247798, MedGen C3272841, MONDO:0012041, OMIM 608456.

Allele frequency attached by ClinVar (database versions not stated): TOPMed 0.00001.
gnomAD v4.1: 3 of 1,613,888 alleles (0.00019%); highest among the groups gnomAD compares: South Asian, 0.0011%; no homozygotes.

Submissions (6):

Labcorp Genetics (formerly Invitae), Labcorp
Classification: Uncertain significance for Familial adenomatous polyposis 2. Last evaluated: 2025-11-24. Review status: criteria provided, single submitter. Criteria: Invitae Variant Classification Sherloc (09022015). Collection method: clinical testing. Allele origin: germline.
Comment: This sequence change replaces threonine, which is neutral and polar, with serine, which is neutral and polar, at codon 232 of the MUTYH protein (p.Thr232Ser). This variant is present in population databases (rs587782351, gnomAD 0.0009%). This variant has not been reported in the literature in individuals affected with MUTYH-related conditions. ClinVar contains an entry for this variant (Variation ID: 464736). An algorithm developed to predict the effect of missense changes on protein structure and function (PolyPhen-2) suggests that this variant is likely to be tolerated. In summary, the available evidence is currently insufficient to determine the role of this variant in disease. Therefore, it has been classified as a Variant of Uncertain Significance.

Ambry Genetics
Classification: Benign for Hereditary cancer-predisposing syndrome. Last evaluated: 2025-09-16. Review status: criteria provided, single submitter. Criteria: Ambry Variant Classification Scheme 2023. Collection method: clinical testing. Allele origin: germline.

Women's Health and Genetics/Laboratory Corporation of America, LabCorp
Classification: Uncertain significance. Last evaluated: 2025-04-07. Review status: criteria provided, single submitter. Criteria: LabCorp Variant Classification Summary - May 2015. Collection method: clinical testing. Allele origin: germline.
Comment: Variant summary: MUTYH c.694A>T (p.Thr232Ser) results in a conservative amino acid change located in the HhH-GPD domain (IPR003265) of the encoded protein sequence. Five of five in-silico tools predict a benign effect of the variant on protein function. The variant allele was found at a frequency of 4e-06 in 250668 control chromosomes. The available data on variant occurrences in the general population are insufficient to allow any conclusion about variant significance. This report does not provide unequivocal conclusions about association of the variant with MUTYH-Associated Polyposis. To our knowledge, no experimental evidence demonstrating an impact on protein function has been reported. The following publication has been ascertained in the context of this evaluation (PMID: 30564557). ClinVar contains an entry for this variant (Variation ID: 464736). Based on the evidence outlined above, the variant was classified as uncertain significance.

All of Us Research Program, National Institutes of Health
Classification: Uncertain significance for Familial adenomatous polyposis 2. Last evaluated: 2024-02-05. Review status: criteria provided, single submitter. Criteria: ACMG Guidelines, 2015. Collection method: clinical testing. Allele origin: germline. Inheritance: Autosomal recessive inheritance. Observed: 3 variant alleles, 3 heterozygotes.
Comment: This missense variant replaces threonine with serine at codon 232 of the MUTYH protein. Computational prediction suggests that this variant may not impact protein structure and function (internally defined REVEL score threshold <= 0.5, PMID: 27666373). Splice site prediction tools suggest that this variant may not impact RNA splicing. To our knowledge, functional studies have not been performed for this variant. This variant has not been reported in individuals affected with hereditary cancer in the literature. This variant has been identified in 1/250668 chromosomes in the general population by the Genome Aggregation Database (gnomAD). The available evidence is insufficient to determine the role of this variant in disease conclusively. Therefore, this variant is classified as a Variant of Uncertain Significance.

This study involves interpretation of variants in research participants for the purpose of population health screening. Participant phenotype was not available at the time of variant classification. Additional details can be found in publication PMID: 35346344, PMCID: PMC8962531

Color Diagnostics, LLC DBA Color Health
Classification: Uncertain significance for Hereditary cancer-predisposing syndrome. Last evaluated: 2019-11-07. Review status: criteria provided, single submitter. Criteria: ACMG Guidelines, 2015. Collection method: clinical testing. Allele origin: germline.
Comment: This missense variant replaces threonine with serine at codon 232 of the MUTYH protein. Computational prediction suggests that this variant may not impact protein structure and function (internally defined REVEL score threshold <= 0.5, PMID: 27666373). Splice site prediction tools suggest that this variant may not impact RNA splicing. To our knowledge, functional studies have not been performed for this variant. This variant has not been reported in individuals affected with hereditary cancer in the literature. This variant has been identified in 1/250668 chromosomes in the general population by the Genome Aggregation Database (gnomAD). The available evidence is insufficient to determine the role of this variant in disease conclusively. Therefore, this variant is classified as a Variant of Uncertain Significance.

Mendelics
Classification: Uncertain significance for Familial adenomatous polyposis 2. Last evaluated: 2019-05-28. Review status: criteria provided, single submitter. Criteria: Mendelics Assertion Criteria 2017. Collection method: clinical testing. Allele origin: unknown.

Literature cited by the submitters: PubMed 30564557 (cited by Women's Health and Genetics/Laboratory Corporation of America, LabCorp).

NM_001048174.2(MUTYH):c.610A>T (p.Thr204Ser)

Gene: MUTYH (mutY DNA glycosylase; minus strand). Cytogenetic location: 1p34.1.
Variant type: single nucleotide variant.
Coding change: c.610A>T on transcript NM_001048174.2 (MANE Select); coding-DNA position 610, A replaced by T.
Protein change: p.Thr204Ser; replaces threonine 204 with serine.
Molecular consequence: missense variant. On other transcripts: non-coding transcript variant (2).
Genome position (GRCh38, 1-based): chr1:45,332,485, T>A on the plus strand (A>T on the coding strand, the complement: MUTYH is on the minus strand). VCF-style: chr1-45332485-T-A. GRCh37 (hg19) VCF-style: chr1-45798157-T-A.
Other names: c.610A>T, p.Thr204Ser (NM_001048171.2, NM_001048173.2, NM_001293195.2); c.613A>T, p.Thr205Ser (NM_001048172.2); c.694A>T, p.Thr232Ser (NM_001128425.2); c.655A>T, p.Thr219Ser (NM_001293190.2); c.643A>T, p.Thr215Ser (NM_001293191.2); c.334A>T, p.Thr112Ser (NM_001293192.2, NM_001293196.2); c.265A>T, p.Thr89Ser (NM_001350650.2, NM_001350651.2); c.685A>T, p.Thr229Ser (NM_012222.3); short protein forms T232S, T219S, T89S, T112S, T204S, T205S, T215S, T229S.
Identifiers: ClinVar variation 464736 (VCV000464736.21), dbSNP rs587782351, ClinGen allele CA058731.